The following is an entry in ClinVar:

ClinVar aggregate classification (germline): Uncertain significance (1 of 4 stars; one submission).

gnomAD v4.1: 1 of 1,614,128 alleles (0.000062%); highest among the groups gnomAD compares: Non-Finnish European, 0.000085%; no homozygotes.

Submission:

Women's Health and Genetics/Laboratory Corporation of America, LabCorp
Classification: Uncertain significance. Last evaluated: 2023-08-10. Review status: criteria provided, single submitter. Criteria: LabCorp Variant Classification Summary - May 2015. Collection method: clinical testing. Allele origin: germline.
Comment: Variant summary: ABCC8 c.267T>G (p.Ile89Met) results in a conservative amino acid change in the encoded protein sequence. Four of five in-silico tools predict a damaging effect of the variant on protein function. The variant was absent in 251440 control chromosomes (gnomAD). The available data on variant occurrences in the general population are insufficient to allow any conclusion about variant significance. c.267T>G has been reported in the literature in the compound heterozygous state in an individual affected with Congenital Hyperinsulinism (Darendeliler_2002). These data do not allow any conclusion about variant significance. To our knowledge, no experimental evidence demonstrating an impact on protein function has been reported. The following publication have been ascertained in the context of this evaluation (PMID: 12199344). No submitters have cited clinical-significance assessments for this variant to ClinVar after 2014. Based on the evidence outlined above, the variant was classified as uncertain significance.

Literature cited by the submitters: PubMed 12199344.

NM_000352.6(ABCC8):c.267T>G (p.Ile89Met)

Gene: ABCC8 (ATP binding cassette subfamily C member 8; minus strand). Cytogenetic location: 11p15.1.
Variant type: single nucleotide variant.
Coding change: c.267T>G on transcript NM_000352.6 (MANE Select); coding-DNA position 267, T replaced by G.
Protein change: p.Ile89Met; replaces isoleucine 89 with methionine.
Molecular consequence: missense variant. On other transcripts: non-coding transcript variant (1).
Genome position (GRCh38, 1-based): chr11:17,474,909, A>C on the plus strand (T>G on the coding strand, the complement: ABCC8 is on the minus strand). VCF-style: chr11-17474909-A-C. GRCh37 (hg19) VCF-style: chr11-17496456-A-C.
Other names: c.267T>G, p.Ile89Met (NM_001287174.3, NM_001351295.2, NM_001351296.2 and 1 more transcripts); short protein forms I89M.
Identifiers: ClinVar variation 2581624 (VCV002581624.1), dbSNP rs748024592, ClinGen allele CA379787377.
Genomic context (GRCh38, chr11:17,474,909, plus strand): 5'-CAGATTCACTTTCCTGAGTCCTCAGACAGTCACTCACCCATCAGACAGGATGCCCTCTGC[A>C]ATCTCACACACCAGGACGAAGAGCAGCATGAAGGTCAGGATCCACCGCAGGTTGTGCCCA-3'
Protein context (NP_000343.2, residues 79-99): FMLLFVLVCE[Ile89Met]AEGILSDGVT